The following is an entry in ClinVar:

NM_001999.4(FBN2):c.3761A>G (p.Asp1254Gly)

Gene: FBN2 (fibrillin 2; minus strand). Cytogenetic location: 5q23.3.
Variant type: single nucleotide variant.
Coding change: c.3761A>G on transcript NM_001999.4 (MANE Select); coding-DNA position 3761, A replaced by G.
Protein change: p.Asp1254Gly; replaces aspartic acid 1254 with glycine.
Molecular consequence: missense variant.
Genome position (GRCh38, 1-based): chr5:128,335,541, T>C on the plus strand (A>G on the coding strand, the complement: FBN2 is on the minus strand). VCF-style: chr5-128335541-T-C. GRCh37 (hg19) VCF-style: chr5-127671233-T-C.
Other names: short protein forms D1254G.
Identifiers: ClinVar variation 1016867 (VCV001016867.9), dbSNP rs1750812827, ClinGen allele CA360758083.
Genomic context (GRCh38, chr5:128,335,541, plus strand): 5'-AGGGCATAACCCTCACTGCAGCTGCATTCGTAGCTTCCCTCTGAATTTGTGCACTGGGTG[T>C]CACAGCCTCCGTTCATTATCATACATTCATCAATATCTGTGAAAACAGCATTGCAACCAC-3'
Protein context (NP_001990.2, residues 1244-1264): DECMIMNGGC[Asp1254Gly]TQCTNSEGSY

ClinVar aggregate classification (germline): Uncertain significance (1 of 4 stars; one submission).

Conditions:
Congenital contractural arachnodactyly (CCA). Also called: BEALS SYNDROME; Beals-Hecht syndrome; Arthrogryposis, distal, type 9. Identifiers: Orphanet 115, MedGen C0220668, MONDO:0007363, OMIM 121050.

Allele frequency attached by ClinVar (database versions not stated): gnomAD exomes below 0.00001.
gnomAD v4.1: 2 of 1,614,080 alleles (0.00012%); highest among the groups gnomAD compares: Non-Finnish European, 0.00017%; no homozygotes.

Submission:

Labcorp Genetics (formerly Invitae), Labcorp
Classification: Uncertain significance for Congenital contractural arachnodactyly. Last evaluated: 2020-08-29. Review status: criteria provided, single submitter. Criteria: Invitae Variant Classification Sherloc (09022015). Collection method: clinical testing. Allele origin: germline.
Comment: In summary, the available evidence is currently insufficient to determine the role of this variant in disease. Therefore, it has been classified as a Variant of Uncertain Significance. Algorithms developed to predict the effect of missense changes on protein structure and function are either unavailable or do not agree on the potential impact of this missense change (SIFT: "Deleterious"; PolyPhen-2: "Benign"; Align-GVGD: "Class C65"). This variant has not been reported in the literature in individuals with FBN2-related conditions. This variant is not present in population databases (ExAC no frequency). This sequence change replaces aspartic acid with glycine at codon 1254 of the FBN2 protein (p.Asp1254Gly). The aspartic acid residue is highly conserved and there is a moderate physicochemical difference between aspartic acid and glycine.